The following is an entry in ClinVar:

ClinVar aggregate classification (germline): Uncertain significance (1 of 4 stars; one submission).

Conditions:
Hereditary spastic paraplegia 49 (HSAN9). Also called: TECPR2-Related Hereditary Sensory and Autonomic Neuropathy with Intellectual Disability; NEUROPATHY, HEREDITARY SENSORY AND AUTONOMIC, TYPE IX, WITH DEVELOPMENTAL DELAY; Spastic paraplegia 49, autosomal recessive. Identifiers: Orphanet 320385, MedGen C5190860, MONDO:0014016, OMIM 615031.

Submission:

Labcorp Genetics (formerly Invitae), Labcorp
Classification: Uncertain significance for Hereditary spastic paraplegia 49. Last evaluated: 2024-12-16. Review status: criteria provided, single submitter. Criteria: Invitae Variant Classification Sherloc (09022015). Collection method: clinical testing. Allele origin: germline.
Comment: This sequence change replaces serine, which is neutral and polar, with arginine, which is basic and polar, at codon 136 of the TECPR2 protein (p.Ser136Arg). This variant is not present in population databases (gnomAD no frequency). This variant has not been reported in the literature in individuals affected with TECPR2-related conditions. ClinVar contains an entry for this variant (Variation ID: 2069184). An algorithm developed to predict the effect of missense changes on protein structure and function (PolyPhen-2) suggests that this variant is likely to be disruptive. In summary, the available evidence is currently insufficient to determine the role of this variant in disease. Therefore, it has been classified as a Variant of Uncertain Significance.

NM_014844.5(TECPR2):c.408C>A (p.Ser136Arg)

Gene: TECPR2 (tectonin beta-propeller repeat containing 2; plus strand). Cytogenetic location: 14q32.31.
Variant type: single nucleotide variant.
Coding change: c.408C>A on transcript NM_014844.5 (MANE Select); coding-DNA position 408, C replaced by A.
Protein change: p.Ser136Arg; replaces serine 136 with arginine.
Molecular consequence: missense variant.
Genome position (GRCh38, 1-based): chr14:102,408,547, C>A. VCF-style: chr14-102408547-C-A. GRCh37 (hg19) VCF-style: chr14-102874884-C-A.
Other names: c.408C>A, p.Ser136Arg (NM_001172631.3); short protein forms S136R.
Identifiers: ClinVar variation 2069184 (VCV002069184.4), dbSNP rs758465886, ClinGen allele CA391054093.